The following is an entry in ClinVar:

NM_001291303.3(FAT4):c.4250C>A (p.Pro1417His)

Gene: FAT4 (FAT atypical cadherin 4; plus strand). Cytogenetic location: 4q28.1.
Variant type: single nucleotide variant.
Coding change: c.4250C>A on transcript NM_001291303.3 (MANE Select); coding-DNA position 4250, C replaced by A.
Protein change: p.Pro1417His; replaces proline 1417 with histidine.
Molecular consequence: missense variant.
Genome position (GRCh38, 1-based): chr4:125,320,661, C>A. VCF-style: chr4-125320661-C-A. GRCh37 (hg19) VCF-style: chr4-126241816-C-A.
Other names: c.4250C>A, p.Pro1417His (NM_001291285.3, NM_024582.6); short protein forms P1417H.
Identifiers: ClinVar variation 424436 (VCV000424436.4), dbSNP rs201515596, ClinGen allele CA3072436.

ClinVar aggregate classification (germline): Uncertain significance. Review status: criteria provided, multiple submitters, no conflicts (2 of 4 stars). 2 submissions from 2 submitters: Uncertain significance (2). Last evaluated 2022-08-05.

Allele frequency attached by ClinVar (database versions not stated): gnomAD exomes 0.00003 and 0.00009; TOPMed 0.00004; ExAC 0.00005; gnomAD 0.00005 and 0.00006; ESP Exome Variant Server 0.00017; 1000 Genomes Project 30x 0.00031; 1000 Genomes Project 0.00040.
gnomAD v4.1: 147 of 1,613,886 alleles (0.0091%); highest among the groups gnomAD compares: Non-Finnish European, 0.011%; no homozygotes.

Submissions (2):

Labcorp Genetics (formerly Invitae), Labcorp
Classification: Uncertain significance. Last evaluated: 2022-08-05. Review status: criteria provided, single submitter. Criteria: Invitae Variant Classification Sherloc (09022015). Collection method: clinical testing. Allele origin: germline.
Comment: This sequence change replaces proline, which is neutral and non-polar, with histidine, which is basic and polar, at codon 1417 of the FAT4 protein (p.Pro1417His). This variant is present in population databases (rs201515596, gnomAD 0.01%). This variant has not been reported in the literature in individuals affected with FAT4-related conditions. ClinVar contains an entry for this variant (Variation ID: 424436). Advanced modeling of protein sequence and biophysical properties (such as structural, functional, and spatial information, amino acid conservation, physicochemical variation, residue mobility, and thermodynamic stability) performed at Invitae indicates that this missense variant is not expected to disrupt FAT4 protein function. In summary, the available evidence is currently insufficient to determine the role of this variant in disease. Therefore, it has been classified as a Variant of Uncertain Significance.

GeneDx
Classification: Uncertain significance. Last evaluated: 2017-03-20. Review status: criteria provided, single submitter. Criteria: GeneDx Variant Classification (06012015). Collection method: clinical testing. Allele origin: germline. Affected: yes.
Comment: A variant of uncertain significance has been identified in the FAT4 gene. The P1417H variant has not been published as a pathogenic variant, nor has it been reported as a benign variant to our knowledge. The P1417H variant is observed in 6/66,714 alleles from individuals of European background (Lek et al., 2016; 1000 Genomes Consortium et al., 2015; Exome Variant Server). The P1417H variant is a non-conservative amino acid substitution, which is likely to impact secondary protein structure as these residues differ in polarity, charge, size and/or other properties. This substitution occurs at a position that is conserved across species, and in silico analysis predicts this variant is probably damaging to the protein structure/function. Based on the currently available information, it is unclear whether this variant is a pathogenic variant or a rare benign variant.